The following is an entry in ClinVar:

ClinVar aggregate classification (germline): Uncertain significance (1 of 4 stars; one submission).

Conditions:
Dilated cardiomyopathy 1G (CMD1G). Identifiers: Orphanet 154, MedGen C1858763, MONDO:0011400, OMIM 604145.
Autosomal recessive limb-girdle muscular dystrophy type 2J (LGMDR10). Also called: MUSCULAR DYSTROPHY, LIMB-GIRDLE, AUTOSOMAL RECESSIVE 10; Limb-girdle muscular dystrophy, type 2J. Identifiers: Orphanet 140922, MedGen C1837342, MONDO:0012127, OMIM 608807.

gnomAD v4.1: 1 of 1,596,172 alleles (0.000063%); highest among the groups gnomAD compares: South Asian, 0.0012%; no homozygotes.

Submission:

Labcorp Genetics (formerly Invitae), Labcorp
Classification: Uncertain significance for Dilated cardiomyopathy 1G; Autosomal recessive limb-girdle muscular dystrophy type 2J. Last evaluated: 2023-03-26. Review status: criteria provided, single submitter. Criteria: Invitae Variant Classification Sherloc (09022015). Collection method: clinical testing. Allele origin: germline.
Comment: In summary, the available evidence is currently insufficient to determine the role of this variant in disease. Therefore, it has been classified as a Variant of Uncertain Significance. This variant is located in the M band of TTN (PMID: 25589632). Variants in this region may be relevant for neuromuscular disorders, but have not been definitively shown to cause cardiomyopathy (PMID: 23975875). This sequence change replaces cysteine, which is neutral and slightly polar, with tyrosine, which is neutral and polar, at codon 35505 of the TTN protein (p.Cys35505Tyr). This variant is not present in population databases (gnomAD no frequency). This variant has not been reported in the literature in individuals affected with TTN-related conditions. ClinVar contains an entry for this variant (Variation ID: 1430365). Experimental studies and prediction algorithms are not available or were not evaluated, and the functional significance of this variant is currently unknown.

Literature cited by the submitters: PubMed 25589632; PubMed 23975875.

NM_001267550.2(TTN):c.106514G>A (p.Cys35505Tyr)

Genes: TTN-AS1 (TTN antisense RNA 1; plus strand), TTN (titin; minus strand). Cytogenetic location: 2q31.2.
Variant type: single nucleotide variant.
Coding change: c.106514G>A on transcript NM_001267550.2 (MANE Select); coding-DNA position 106514, G replaced by A.
Protein change: p.Cys35505Tyr; replaces cysteine 35505 with tyrosine.
Molecular consequence: missense variant.
Genome position (GRCh38, 1-based): chr2:178,529,977, C>T on the plus strand (G>A on the coding strand, the complement: TTN is on the minus strand). VCF-style: chr2-178529977-C-T. GRCh37 (hg19) VCF-style: chr2-179394704-C-T.
Other names: c.101591G>A, p.Cys33864Tyr (NM_001256850.1); c.79319G>A, p.Cys26440Tyr (NM_003319.4); c.98810G>A, p.Cys32937Tyr (NM_133378.4); c.79694G>A, p.Cys26565Tyr (NM_133432.3); c.79895G>A, p.Cys26632Tyr (NM_133437.4); short protein forms C26440Y, C26632Y, C32937Y, C33864Y, C35505Y, C26565Y.
Identifiers: ClinVar variation 1430365 (VCV001430365.6), dbSNP rs2154132356, ClinGen allele CA349405010.